The following is an entry in ClinVar:

NM_000257.4(MYH7):c.4027C>A (p.Leu1343Met)

Gene: MYH7 (myosin heavy chain 7; minus strand). Cytogenetic location: 14q11.2.
Variant type: single nucleotide variant.
Coding change: c.4027C>A on transcript NM_000257.4 (MANE Select); coding-DNA position 4027, C replaced by A.
Protein change: p.Leu1343Met; replaces leucine 1343 with methionine.
Molecular consequence: missense variant.
Genome position (GRCh38, 1-based): chr14:23,418,352, G>T on the plus strand (C>A on the coding strand, the complement: MYH7 is on the minus strand). VCF-style: chr14-23418352-G-T. GRCh37 (hg19) VCF-style: chr14-23887561-G-T.
Other names: c.4027C>A, p.Leu1343Met (NM_001407004.1); short protein forms L1343M.
Identifiers: ClinVar variation 3685665 (VCV003685665.2).

ClinVar aggregate classification (germline): Uncertain significance (1 of 4 stars; one submission).

Conditions:
Hypertrophic cardiomyopathy. Also called: HYPERTROPHIC MYOCARDIOPATHY. Identifiers: Orphanet 217569, MedGen C0007194, MeSH D002312, MONDO:0005045, HP:0001639.

gnomAD v4.1: 1 of 1,613,800 alleles (0.000062%); highest among the groups gnomAD compares: African/African-American, 0.0013%; no homozygotes.

Submission:

Labcorp Genetics (formerly Invitae), Labcorp
Classification: Uncertain significance for Hypertrophic cardiomyopathy. Last evaluated: 2024-05-20. Review status: criteria provided, single submitter. Criteria: Invitae Variant Classification Sherloc (09022015). Collection method: clinical testing. Allele origin: germline.
Comment: This sequence change replaces leucine, which is neutral and non-polar, with methionine, which is neutral and non-polar, at codon 1343 of the MYH7 protein (p.Leu1343Met). This variant is present in population databases (no rsID available, gnomAD 0.007%). This variant has not been reported in the literature in individuals affected with MYH7-related conditions. Advanced modeling of protein sequence and biophysical properties (such as structural, functional, and spatial information, amino acid conservation, physicochemical variation, residue mobility, and thermodynamic stability) performed at Invitae indicates that this missense variant is expected to disrupt MYH7 protein function with a positive predictive value of 95%. In summary, the available evidence is currently insufficient to determine the role of this variant in disease. Therefore, it has been classified as a Variant of Uncertain Significance.